The following is an entry in ClinVar:

NM_024589.3(ROGDI):c.154A>G (p.Thr52Ala)

Gene: ROGDI (rogdi atypical leucine zipper; minus strand). Cytogenetic location: 16p13.3.
Variant type: single nucleotide variant.
Coding change: c.154A>G on transcript NM_024589.3 (MANE Select); coding-DNA position 154, A replaced by G.
Protein change: p.Thr52Ala; replaces threonine 52 with alanine.
Molecular consequence: missense variant. On other transcripts: non-coding transcript variant (1).
Genome position (GRCh38, 1-based): chr16:4,801,549, T>C on the plus strand (A>G on the coding strand, the complement: ROGDI is on the minus strand). VCF-style: chr16-4801549-T-C. GRCh37 (hg19) VCF-style: chr16-4851550-T-C.
Other names: short protein forms T52A.
Identifiers: ClinVar variation 969073 (VCV000969073.5), dbSNP rs747235473, ClinGen allele CA7882945.

ClinVar aggregate classification (germline): Uncertain significance (1 of 4 stars; one submission).

Conditions:
Amelocerebrohypohidrotic syndrome (KTZS). Also called: Kohlschutter's syndrome; EPILEPSY AND YELLOW TEETH; EPILEPSY, DEMENTIA, AND AMELOGENESIS IMPERFECTA; KOHLSCHUTTER SYNDROME. Identifiers: Orphanet 1946, MedGen C0406740, MONDO:0009185, OMIM 226750.

Allele frequency attached by ClinVar (database versions not stated): gnomAD 0.00001; gnomAD exomes 0.00001 and 0.00008; TOPMed 0.00003; ExAC 0.00011.
gnomAD v4.1: 23 of 1,606,918 alleles (0.0014%); highest among the groups gnomAD compares: East Asian, 0.022%; no homozygotes.

Submission:

Labcorp Genetics (formerly Invitae), Labcorp
Classification: Uncertain significance for Amelocerebrohypohidrotic syndrome. Last evaluated: 2021-10-20. Review status: criteria provided, single submitter. Criteria: Invitae Variant Classification Sherloc (09022015). Collection method: clinical testing. Allele origin: germline.
Comment: This sequence change replaces threonine with alanine at codon 52 of the ROGDI protein (p.Thr52Ala). The threonine residue is weakly conserved and there is a small physicochemical difference between threonine and alanine. This variant is present in population databases (rs747235473, ExAC 0.1%). This variant has not been reported in the literature in individuals affected with ROGDI-related conditions. Algorithms developed to predict the effect of missense changes on protein structure and function output the following: SIFT: "Tolerated"; PolyPhen-2: "Benign"; Align-GVGD: "Class C0". The alanine amino acid residue is found in multiple mammalian species, which suggests that this missense change does not adversely affect protein function. In summary, the available evidence is currently insufficient to determine the role of this variant in disease. Therefore, it has been classified as a Variant of Uncertain Significance.